The following is an entry in ClinVar:

ClinVar aggregate classification (germline): Pathogenic. Review status: criteria provided, multiple submitters, no conflicts (2 of 4 stars). 2 submissions from 2 submitters: Pathogenic (2). Last evaluated 2023-10-15.

Conditions:
FOXP3-related disorder. Also called: FOXP3-related condition.
Insulin-dependent diabetes mellitus secretory diarrhea syndrome (IPEX). Also called: Immunodysregulation, polyendocrinopathy, and enteropathy, X-linked; Immunodeficiency, Polyendocrinopathy, and Enteropathy X-Linked Syndrome; X-Linked Syndrome of Polyendocrinopathy, Immune Dysfunction, and Diarrhea; IMMUNODEFICIENCY, POLYENDOCRINOPATHY, AND ENTEROPATHY, X-LINKED; X-Linked Autoimmunity-Allergic Dysregulation Syndrome; IPEX and IPEX-Like. Identifiers: Orphanet 37042, MedGen C0342288, MONDO:0010580, OMIM 304790. Disease mechanism: loss of function.

Submissions (2):

Labcorp Genetics (formerly Invitae), Labcorp
Classification: Pathogenic for Insulin-dependent diabetes mellitus secretory diarrhea syndrome. Last evaluated: 2023-10-15. Review status: criteria provided, single submitter. Criteria: Invitae Variant Classification Sherloc (09022015). Collection method: clinical testing. Allele origin: germline.
Comment: This sequence change replaces isoleucine, which is neutral and non-polar, with valine, which is neutral and non-polar, at codon 363 of the FOXP3 protein (p.Ile363Val). This variant is not present in population databases (gnomAD no frequency). This missense change has been observed in individual(s) with clinical features of immune dysregulation, polyendocrinopathy, and enteropathy X linked syndrome (PMID: 3375136, 11768393, 30443250, 33751536; Invitae). In at least one individual the variant was observed to be de novo. ClinVar contains an entry for this variant (Variation ID: 1505816). Advanced modeling of protein sequence and biophysical properties (such as structural, functional, and spatial information, amino acid conservation, physicochemical variation, residue mobility, and thermodynamic stability) performed at Invitae indicates that this missense variant is expected to disrupt FOXP3 protein function. Experimental studies have shown that this missense change affects FOXP3 function (PMID: 16920951, 28778586). For these reasons, this variant has been classified as Pathogenic.

Blueprint Genetics
Classification: Pathogenic for FOXP3-related disorders. Last evaluated: 2022-02-18. Review status: criteria provided, single submitter. Criteria: ACMG Guidelines, 2015. Collection method: clinical testing. Allele origin: germline. Affected: yes. Observed: 1 variant allele.

Literature cited by the submitters: PubMed 3375136 (cited by Labcorp Genetics (formerly Invitae), Labcorp); PubMed 11768393 (cited by Labcorp Genetics (formerly Invitae), Labcorp); PubMed 30443250 (cited by Labcorp Genetics (formerly Invitae), Labcorp); PubMed 33751536 (cited by Labcorp Genetics (formerly Invitae), Labcorp); PubMed 16920951 (cited by Labcorp Genetics (formerly Invitae), Labcorp); PubMed 28778586 (cited by Labcorp Genetics (formerly Invitae), Labcorp).

NM_014009.4(FOXP3):c.1087A>G (p.Ile363Val)

Gene: FOXP3 (forkhead box P3; minus strand). Cytogenetic location: Xp11.23.
Variant type: single nucleotide variant.
Coding change: c.1087A>G on transcript NM_014009.4 (MANE Select); coding-DNA position 1087, A replaced by G.
Protein change: p.Ile363Val; replaces isoleucine 363 with valine.
Molecular consequence: missense variant.
Genome position (GRCh38, 1-based): chrX:49,251,723, T>C on the plus strand (A>G on the coding strand, the complement: FOXP3 is on the minus strand). VCF-style: chrX-49251723-T-C. GRCh37 (hg19) VCF-style: chrX-49108184-T-C.
Other names: c.982A>G, p.Ile328Val (NM_001114377.2); short protein forms I328V, I363V.
Identifiers: ClinVar variation 1505816 (VCV001505816.7), dbSNP rs2147944391, ClinGen allele CA412948891.